The following is an entry in ClinVar:

NM_144670.6(A2ML1):c.3829A>G (p.Asn1277Asp)

Gene: A2ML1 (alpha-2-macroglobulin like 1; plus strand). Cytogenetic location: 12p13.31.
Variant type: single nucleotide variant.
Coding change: c.3829A>G on transcript NM_144670.6 (MANE Select); coding-DNA position 3829, A replaced by G.
Protein change: p.Asn1277Asp; replaces asparagine 1277 with aspartic acid.
Molecular consequence: missense variant.
Genome position (GRCh38, 1-based): chr12:8,867,953, A>G. VCF-style: chr12-8867953-A-G. GRCh37 (hg19) VCF-style: chr12-9020549-A-G.
Other names: c.2356A>G, p.Asn786Asp (NM_001282424.3); short protein forms N786D, N1277D.
Identifiers: ClinVar variation 1445652 (VCV001445652.8), dbSNP rs185559416, ClinGen allele CA6436493.

ClinVar aggregate classification (germline): Uncertain significance (1 of 4 stars; one submission).

Allele frequency attached by ClinVar (database versions not stated): gnomAD 0.00002 and 0.00004; gnomAD exomes 0.00003 and 0.00004; TOPMed 0.00003; ExAC 0.00005; 1000 Genomes Project 0.00060; 1000 Genomes Project 30x 0.00062.
gnomAD v4.1: 50 of 1,614,278 alleles (0.0031%); highest among the groups gnomAD compares: Admixed American, 0.038%; no homozygotes.

Submission:

Labcorp Genetics (formerly Invitae), Labcorp
Classification: Uncertain significance. Last evaluated: 2026-02-03. Review status: criteria provided, single submitter. Criteria: Invitae Variant Classification Sherloc (09022015). Collection method: clinical testing. Allele origin: germline.
Comment: This sequence change replaces asparagine, which is neutral and polar, with aspartic acid, which is acidic and polar, at codon 1277 of the A2ML1 protein (p.Asn1277Asp). This variant is present in population databases (rs185559416, gnomAD 0.02%). This variant has not been reported in the literature in individuals affected with A2ML1-related conditions. ClinVar contains an entry for this variant (Variation ID: 1445652). An algorithm developed to predict the effect of missense changes on protein structure and function (PolyPhen-2) suggests that this variant is likely to be tolerated. In summary, the available evidence is currently insufficient to determine the role of this variant in disease. Therefore, it has been classified as a Variant of Uncertain Significance.